The following is an entry in ClinVar:

ClinVar aggregate classification (germline): Uncertain significance (1 of 4 stars; one submission).

Conditions:
Inborn genetic diseases. Identifiers: MedGen C0950123, MeSH D030342.

Submission:

Ambry Genetics
Classification: Uncertain significance for Inborn genetic diseases. Last evaluated: 2024-01-01. Review status: criteria provided, single submitter. Criteria: Ambry Variant Classification Scheme 2023. Collection method: clinical testing. Allele origin: germline.
Comment: The p.E125K variant (also known as c.373G>A), located in coding exon 4 of the ATR gene, results from a G to A substitution at nucleotide position 373. The glutamic acid at codon 125 is replaced by lysine, an amino acid with similar properties. This amino acid position is conserved. In addition, this alteration is predicted to be tolerated by in silico analysis. Since supporting evidence is limited at this time, the clinical significance of this alteration remains unclear.

NM_001184.4(ATR):c.373G>A (p.Glu125Lys)

Gene: ATR (ATR checkpoint kinase; minus strand). Cytogenetic location: 3q23.
Variant type: single nucleotide variant.
Coding change: c.373G>A on transcript NM_001184.4 (MANE Select); coding-DNA position 373, G replaced by A.
Protein change: p.Glu125Lys; replaces glutamic acid 125 with lysine.
Molecular consequence: missense variant.
Genome position (GRCh38, 1-based): chr3:142,563,029, C>T on the plus strand (G>A on the coding strand, the complement: ATR is on the minus strand). VCF-style: chr3-142563029-C-T. GRCh37 (hg19) VCF-style: chr3-142281871-C-T.
Other names: c.373G>A, p.Glu125Lys (NM_001354579.2); short protein forms E125K.
Identifiers: ClinVar variation 3221141 (VCV003221141.1), dbSNP rs2108488744, ClinGen allele CA354827246.
Genomic context (GRCh38, chr3:142,563,029, plus strand): 5'-GTACCCCAAAAATAGCAGGACTCTTGCTTTTAAAAAGAAATAATAATGAACAGATGACTT[C>T]ACAGATTTTCTTGTGTAACAAATGACAGGAGGGAGTTGCTGCAATCCGCAGAAGTCTCGT-3'
Protein context (NP_001175.2, residues 115-135): SCHLLHKKIC[Glu125Lys]VICSLLFLFK